The following is an entry in ClinVar:

NM_018489.3(ASH1L):c.320T>G (p.Val107Gly)

Gene: ASH1L (ASH1 like histone lysine methyltransferase; minus strand). Cytogenetic location: 1q22.
Variant type: single nucleotide variant.
Coding change: c.320T>G on transcript NM_018489.3 (MANE Select); coding-DNA position 320, T replaced by G.
Protein change: p.Val107Gly; replaces valine 107 with glycine.
Molecular consequence: missense variant.
Genome position (GRCh38, 1-based): chr1:155,521,200, A>C on the plus strand (T>G on the coding strand, the complement: ASH1L is on the minus strand). VCF-style: chr1-155521200-A-C. GRCh37 (hg19) VCF-style: chr1-155490991-A-C.
Other names: c.320T>G, p.Val107Gly (NM_001366177.2); short protein forms V107G.
Identifiers: ClinVar variation 3368983 (VCV003368983.1).

ClinVar aggregate classification (germline): Uncertain significance (1 of 4 stars; one submission).

Submission:

GeneDx
Classification: Uncertain significance. Last evaluated: 2024-02-07. Review status: criteria provided, single submitter. Criteria: GeneDx Variant Classification Process June 2021. Collection method: clinical testing. Allele origin: germline. Affected: yes.
Comment: Not observed at significant frequency in large population cohorts (gnomAD); In silico analysis supports that this missense variant has a deleterious effect on protein structure/function; Has not been previously published as pathogenic or benign to our knowledge